The following is an entry in ClinVar:

NM_001330260.2(SCN8A):c.396-1C>T

Gene: SCN8A (sodium voltage-gated channel alpha subunit 8; plus strand). Cytogenetic location: 12q13.13.
Variant type: single nucleotide variant.
Coding change: c.396-1C>T on transcript NM_001330260.2 (MANE Select); the canonical splice acceptor site of the intron before coding-DNA position 396, C replaced by T.
Molecular consequence: splice acceptor variant.
Genome position (GRCh38, 1-based): chr12:51,686,367, C>T. VCF-style: chr12-51686367-C-T. GRCh37 (hg19) VCF-style: chr12-52080151-C-T.
Other names: c.396-1C>T (NM_014191.4, NM_001177984.3, NM_001369788.1).
Identifiers: ClinVar variation 2576771 (VCV002576771.2), dbSNP rs2540154732, ClinGen allele CA385221530.

ClinVar aggregate classification (germline): Likely pathogenic (1 of 4 stars; one submission).

Submission:

GeneDx
Classification: Likely pathogenic. Last evaluated: 2026-04-01. Review status: criteria provided, single submitter. Criteria: GeneDx Variant Classification Process June 2021. Collection method: clinical testing. Allele origin: germline.
Comment: Canonical splice site variant predicted to result in an in-frame loss of the adjacent exon in a gene for which loss of function is a known mechanism of disease; Not observed at significant frequency in large population cohorts (gnomAD); Deletions involving coding exons of this gene are a known mechanism of disease (HGMD); Has not been previously published as pathogenic or benign to our knowledge